The following is an entry in ClinVar:

NM_001384900.1(SEMA3D):c.2278C>T (p.Arg760Ter)

Genes: SEMA3D (semaphorin 3D; minus strand), LOC126860094 (BRD4-independent group 4 enhancer GRCh37_chr7:84628763-84629962; plus strand). Cytogenetic location: 7q21.11.
Variant type: single nucleotide variant.
Coding change: c.2278C>T on transcript NM_001384900.1 (MANE Select); coding-DNA position 2278, C replaced by T.
Protein change: p.Arg760Ter; replaces arginine 760 with a stop codon.
Molecular consequence: nonsense.
Genome position (GRCh38, 1-based): chr7:84,999,496, G>A on the plus strand (C>T on the coding strand, the complement: SEMA3D is on the minus strand). VCF-style: chr7-84999496-G-A. GRCh37 (hg19) VCF-style: chr7-84628812-G-A.
Other names: c.2278C>T, p.Arg760Ter (NM_001384901.1, NM_001384902.1, NM_001384903.1 and 1 more transcripts); short protein forms R760*.
Identifiers: ClinVar variation 4985524 (VCV004985524.1).

ClinVar aggregate classification (germline): Uncertain significance (1 of 4 stars; one submission).

Conditions:
SEMA3D-related disorder. Also called: SEMA3D-related condition.

gnomAD v4.1: 9 of 1,613,892 alleles (0.00056%); highest among the groups gnomAD compares: Non-Finnish European, 0.00068%; no homozygotes.

Submission:

PreventionGenetics, part of Exact Sciences
Classification: Uncertain significance for SEMA3D-related condition. Last evaluated: 2026-07-02. Review status: criteria provided, single submitter. Criteria: ACMG Guidelines, 2015. Collection method: clinical testing. Allele origin: germline.
Comment: The SEMA3D c.2278C>T variant is predicted to result in premature protein termination (p.Arg760*). This variant was reported in an individual with Hirschsprung disease (Zhang et al. 2017. PubMed ID: 29093530). This variant has not been reported in a large population database (gnomAD), indicating this variant is rare. At this time, the clinical significance of this variant is uncertain due to the absence of conclusive functional and genetic evidence.